The following is an entry in ClinVar:

NM_001134407.3(GRIN2A):c.1328+5G>A

Gene: GRIN2A (glutamate ionotropic receptor NMDA type subunit 2A; minus strand). Cytogenetic location: 16p13.2.
Variant type: single nucleotide variant.
Coding change: c.1328+5G>A on transcript NM_001134407.3 (MANE Select); 5 bases into the intron after coding-DNA position 1328, G replaced by A.
Molecular consequence: intron variant.
Genome position (GRCh38, 1-based): chr16:9,849,751, C>T on the plus strand (G>A on the coding strand, the complement: GRIN2A is on the minus strand). VCF-style: chr16-9849751-C-T. GRCh37 (hg19) VCF-style: chr16-9943608-C-T.
Other names: c.1328+5G>A (NM_001134408.2, NM_000833.5).
Identifiers: ClinVar variation 660914 (VCV000660914.6), dbSNP rs1596494606, ClinGen allele CA915949123.

ClinVar aggregate classification (germline): Uncertain significance (1 of 4 stars; one submission).

Conditions:
Landau-Kleffner syndrome (FESD). Also called: EPILEPSY, FOCAL, WITH SPEECH DISORDER AND WITH OR WITHOUT MENTAL RETARDATION; APHASIA, ACQUIRED, WITH EPILEPSY. Identifiers: Orphanet 1945, Orphanet 725, Orphanet 98818, MedGen C0282512, MONDO:0009509, OMIM 245570.

Submission:

Labcorp Genetics (formerly Invitae), Labcorp
Classification: Uncertain significance for Landau-Kleffner syndrome. Last evaluated: 2022-01-28. Review status: criteria provided, single submitter. Criteria: Invitae Variant Classification Sherloc (09022015). Collection method: clinical testing. Allele origin: germline.
Comment: This sequence change falls in intron 6 of the GRIN2A gene. It does not directly change the encoded amino acid sequence of the GRIN2A protein. It affects a nucleotide within the consensus splice site. This variant is not present in population databases (gnomAD no frequency). This variant has not been reported in the literature in individuals affected with GRIN2A-related conditions. ClinVar contains an entry for this variant (Variation ID: 660914). Variants that disrupt the consensus splice site are a relatively common cause of aberrant splicing (PMID: 17576681, 9536098). Algorithms developed to predict the effect of sequence changes on RNA splicing suggest that this variant may disrupt the consensus splice site. In summary, the available evidence is currently insufficient to determine the role of this variant in disease. Therefore, it has been classified as a Variant of Uncertain Significance.

Literature cited by the submitters: PubMed 17576681; PubMed 9536098.